The following is an entry in ClinVar:

ClinVar aggregate classification (germline): Pathogenic (1 of 4 stars; one submission).

Conditions:
Pseudohypoaldosteronism, type IB1, autosomal recessive. Also called: Autosomal recessive pseudohypoaldosteronism type 1; PHA I, AUTOSOMAL RECESSIVE; Pseudohypoaldosteronism, Type I, Autosomal Recessive; Pseudohypoaldosteronism, Type I, Recessive. Identifiers: Orphanet 171876, Orphanet 756, MedGen C5774176, MONDO:0009917, OMIM 264350.

Submission:

Victorian Clinical Genetics Services, Murdoch Childrens Research Institute
Classification: Pathogenic for Pseudohypoaldosteronism, type IB1, autosomal recessive. Last evaluated: 2023-07-17. Review status: criteria provided, single submitter. Criteria: ACMG Guidelines, 2015. Collection method: clinical testing. Allele origin: germline. Inheritance: Autosomal recessive inheritance. Affected: yes.
Comment: Based on the classification scheme VCGS_Germline_v1.3.4, this variant is classified as Pathogenic. Following criteria are met: 0102 - Loss of function is a known mechanism of disease in this gene and is associated with pseudohypoaldosteronism, type IB1 (MIM#264350). Gain-of-function caused by a missense has been reported in a patient with Liddle syndrome 3 (PMID: 28710092). (I) 0106 - This gene is associated with autosomal recessive disease. There are reports of autosomal dominant in association with Liddle syndrome 3 (MIM#618126; PMID: 28710092) and bronchiectasis with or without elevated sweat chloride 2 (MIM#613021); however, the evidence for these associations is still limited. (I) 0201 - Variant is predicted to cause nonsense-mediated decay (NMD) and loss of protein (premature termination codon is located at least 54 nucleotides upstream of the final exon-exon junction). (SP) 0252 - This variant is homozygous. (I) 0301 - Variant is absent from gnomAD (both v2 and v3). (SP) 0701 - Other variants predicted to cause NMD comparable to the one identified in this case have very strong previous evidence for pathogenicity (DECIPHER). (SP) 0807 - This variant has no previous evidence of pathogenicity. (I) 0905 - No published segregation evidence has been identified for this variant. (I) 1007 - No published functional evidence has been identified for this variant. (I) Legend: (SP) - Supporting pathogenic, (I) - Information, (SB) - Supporting benign

Literature cited by the submitters: PubMed 28710092.

NM_001038.6(SCNN1A):c.148del (p.Glu50fs)

Gene: SCNN1A (sodium channel epithelial 1 subunit alpha; minus strand). Cytogenetic location: 12p13.31.
Variant type: Deletion.
Coding change: c.148del on transcript NM_001038.6 (MANE Select); coding-DNA position 148, one base deleted (G; older notation c.148delG).
Protein change: p.Glu50fs; shifts the reading frame from glutamic acid 50.
Molecular consequence: frameshift variant.
Genome position (GRCh38, 1-based): chr12:6,374,636, C deleted on the plus strand (G on the coding strand, the reverse complement: SCNN1A is on the minus strand). VCF-style (leftmost placement, unchanged base first): chr12-6374635-TC-T. GRCh37 (hg19) VCF-style: chr12-6483801-TC-T.
Other names: c.217del, p.Glu73fs (NM_001159575.2); c.325del, p.Glu109fs (NM_001159576.2); short protein forms E109fs, E50fs, E73fs.
Identifiers: ClinVar variation 2500734 (VCV002500734.2), dbSNP rs2497930442, ClinGen allele CA923726173.
Genomic context (GRCh38, chr12:6,374,635, plus strand): 5'-CCGTGGATGGTGGTGTTGTTGCAGAAGAACTCGAAGAGCTCTCGGTAGGAGCGGTGGAAC[TC>T]GATCAGGGCCTCCTCCTCCGCCGTGGGCTGCTGGGGCGCCGCAGGTTCGGGGCCCAGCCC-3'